The following is an entry in ClinVar:

NM_001408.3(CELSR2):c.6433G>A (p.Ala2145Thr)

Gene: CELSR2 (cadherin EGF LAG seven-pass G-type receptor 2; plus strand). Cytogenetic location: 1p13.3.
Variant type: single nucleotide variant.
Coding change: c.6433G>A on transcript NM_001408.3 (MANE Select); coding-DNA position 6433, G replaced by A.
Protein change: p.Ala2145Thr; replaces alanine 2145 with threonine.
Molecular consequence: missense variant.
Genome position (GRCh38, 1-based): chr1:109,268,695, G>A. VCF-style: chr1-109268695-G-A. GRCh37 (hg19) VCF-style: chr1-109811317-G-A.
Other names: c.6433G>A (NM_001408.2); short protein forms A2145T.
Identifiers: ClinVar variation 2909395 (VCV002909395.4), dbSNP rs745590762, ClinGen allele CA987877.
Genomic context (GRCh38, chr1:109,268,695, plus strand): 5'-GAGCTGATCCAGCAGACAGAGGGTGGCACCGCCTGGCTGCTCCAGCACTATGAGGCCTAC[G>A]CCAGTGCCCTGGCCCAGAACATGCGGCACACCTACCTAAGCCCCTTCACCATCGTCACGC-3'
Protein context (NP_001399.1, residues 2135-2155): AWLLQHYEAY[Ala2145Thr]SALAQNMRHT

ClinVar aggregate classification (germline): Uncertain significance. Review status: criteria provided, multiple submitters, no conflicts (2 of 4 stars). 2 submissions from 2 submitters: Uncertain significance (2). Last evaluated 2025-04-25.

Allele frequency attached by ClinVar (database versions not stated): gnomAD exomes 0.00001; ExAC 0.00002.
gnomAD v4.1: 16 of 1,613,788 alleles (0.00099%); highest among the groups gnomAD compares: South Asian, 0.0033%; no homozygotes.

Submissions (2):

Ambry Genetics
Classification: Uncertain significance. Last evaluated: 2025-04-25. Review status: criteria provided, single submitter. Criteria: Ambry Variant Classification Scheme 2023. Collection method: clinical testing. Allele origin: germline.

Labcorp Genetics (formerly Invitae), Labcorp
Classification: Uncertain significance. Last evaluated: 2023-09-04. Review status: criteria provided, single submitter. Criteria: Invitae Variant Classification Sherloc (09022015). Collection method: clinical testing. Allele origin: germline.
Comment: This sequence change replaces alanine, which is neutral and non-polar, with threonine, which is neutral and polar, at codon 2145 of the CELSR2 protein (p.Ala2145Thr). This variant is present in population databases (rs745590762, gnomAD 0.003%). This variant has not been reported in the literature in individuals affected with CELSR2-related conditions. Advanced modeling of protein sequence and biophysical properties (such as structural, functional, and spatial information, amino acid conservation, physicochemical variation, residue mobility, and thermodynamic stability) performed at Invitae indicates that this missense variant is not expected to disrupt CELSR2 protein function. In summary, the available evidence is currently insufficient to determine the role of this variant in disease. Therefore, it has been classified as a Variant of Uncertain Significance.